The following is an entry in ClinVar:

ClinVar aggregate classification (germline): Uncertain significance (1 of 4 stars; one submission).

Submission:

Labcorp Genetics (formerly Invitae), Labcorp
Classification: Uncertain significance. Last evaluated: 2022-03-10. Review status: criteria provided, single submitter. Criteria: Invitae Variant Classification Sherloc (09022015). Collection method: clinical testing. Allele origin: germline.
Comment: This variant has not been reported in the literature in individuals affected with ZNF513-related conditions. This variant is not present in population databases (gnomAD no frequency). This sequence change replaces arginine, which is basic and polar, with cysteine, which is neutral and slightly polar, at codon 461 of the ZNF513 protein (p.Arg461Cys). Algorithms developed to predict the effect of missense changes on protein structure and function (SIFT, PolyPhen-2, Align-GVGD) all suggest that this variant is likely to be disruptive. In summary, the available evidence is currently insufficient to determine the role of this variant in disease. Therefore, it has been classified as a Variant of Uncertain Significance.

NM_144631.6(ZNF513):c.1381C>T (p.Arg461Cys)

Genes: ZNF513 (zinc finger protein 513; minus strand), LOC129933376 (ATAC-STARR-seq lymphoblastoid active region 15506; plus strand). Cytogenetic location: 2p23.3.
Variant type: single nucleotide variant.
Coding change: c.1381C>T on transcript NM_144631.6 (MANE Select); coding-DNA position 1381, C replaced by T.
Protein change: p.Arg461Cys; replaces arginine 461 with cysteine.
Molecular consequence: missense variant.
Genome position (GRCh38, 1-based): chr2:27,377,790, G>A on the plus strand (C>T on the coding strand, the complement: ZNF513 is on the minus strand). VCF-style: chr2-27377790-G-A. GRCh37 (hg19) VCF-style: chr2-27600657-G-A.
Other names: c.1195C>T, p.Arg399Cys (NM_001201459.2); short protein forms R399C, R461C.
Identifiers: ClinVar variation 1522194 (VCV001522194.8), dbSNP rs2148411822, ClinGen allele CA346214555.
Genomic context (GRCh38, chr2:27,377,790, plus strand): 5'-TGGTATAGGCGCAGGTGGCACAGCGGAAGGGCTTCTCGCCTGTGTGCCGCAGCATGTGAC[G>A]TTTGAGGTTCATGCTCTGGTTGCAGCTGTAGTTGCAAAGGCTACACCGAAAAGGTTTGTC-3'
Protein context (NP_653232.3, residues 451-471): YSCNQSMNLK[Arg461Cys]HMLRHTGEKP